The following is an entry in ClinVar:

NM_004006.3(DMD):c.6471T>A (p.Thr2157=)

Gene: DMD (dystrophin; minus strand). Cytogenetic location: Xp21.1.
Variant type: single nucleotide variant.
Coding change: c.6471T>A on transcript NM_004006.3 (MANE Select); coding-DNA position 6471, T replaced by A.
Protein change: p.Thr2157=; no amino-acid change (threonine 2157 retained).
Molecular consequence: synonymous variant. On other transcripts: 5 prime UTR variant (5).
Genome position (GRCh38, 1-based): chrX:31,968,482, A>T on the plus strand (T>A on the coding strand, the complement: DMD is on the minus strand). VCF-style: chrX-31968482-A-T. GRCh37 (hg19) VCF-style: chrX-31986599-A-T.
Other names: c.6447T>A, p.Thr2149= (NM_000109.4); c.6459T>A, p.Thr2153= (NM_004009.3); c.6102T>A, p.Thr2034= (NM_004010.3); c.2448T>A, p.Thr816= (NM_004011.4); c.2439T>A, p.Thr813= (NM_004012.4); c.-910T>A (NM_004013.3, NM_004020.4, NM_004021.3 and 2 more transcripts).
Identifiers: ClinVar variation 94742 (VCV000094742.26), dbSNP rs377080659, ClinGen allele CA222478.

ClinVar aggregate classification (germline): Conflicting classifications of pathogenicity. Review status: criteria provided, conflicting classifications (1 of 4 stars). 8 submissions from 8 submitters: Uncertain significance (2); Benign (2); Likely benign (3). 1 of the submissions does not count toward it. Last evaluated 2026-09-21.

Conditions:
Cardiovascular phenotype. Identifiers: MedGen CN230736.
Becker muscular dystrophy (BMD). Also called: MUSCULAR DYSTROPHY, PSEUDOHYPERTROPHIC PROGRESSIVE, BECKER TYPE; Becker Muscular Dystrophy (BMD). Identifiers: Orphanet 98895, MedGen C0917713, MONDO:0010311, OMIM 300376.
Cardiomyopathy (CMYO). Also called: Cardiomyopathies. Identifiers: Orphanet 167848, MedGen C0878544, MONDO:0004994, HP:0001638. Inheritance: Various modes of inheritance.
Dystrophin deficiency.
Duchenne muscular dystrophy (DMD). Also called: MUSCULAR DYSTROPHY, PSEUDOHYPERTROPHIC PROGRESSIVE, DUCHENNE TYPE; Duchenne Muscular Dystrophy (DMD). Identifiers: Orphanet 98896, MedGen C0013264, MONDO:0010679, OMIM 310200.
Dilated cardiomyopathy 3B (CMD3B). Also called: CMD3B: DMD-Related Dilated Cardiomyopathy; CARDIOMYOPATHY, DILATED, X-LINKED; DMD-Associated Dilated Cardiomyopathy. Identifiers: Orphanet 154, MedGen C3668940, MONDO:0010542, OMIM 302045.

Allele frequency attached by ClinVar (database versions not stated): gnomAD 0.00019 and 0.00015; gnomAD exomes 0.00011 and 0.00002; ExAC 0.00012; ESP Exome Variant Server 0.00009; TOPMed 0.00015.
gnomAD v4.1: 61 of 1,209,047 alleles (0.005%); highest among the groups gnomAD compares: East Asian, 0.047%; no homozygotes.

Submissions (8):

Molecular Diagnostic Laboratory for Inherited Cardiovascular Disease, Montreal Heart Institute
Classification: Likely benign. Last evaluated: 2026-09-21. Review status: criteria provided, single submitter. Criteria: ACMG Guidelines, 2015. Collection method: clinical testing. Allele origin: germline. Affected: no.
Comment: BS1;BP7

Labcorp Genetics (formerly Invitae), Labcorp
Classification: Benign for Duchenne muscular dystrophy. Last evaluated: 2026-01-20. Review status: criteria provided, single submitter. Criteria: Invitae Variant Classification Sherloc (09022015). Collection method: clinical testing. Allele origin: germline.

Blueprint Genetics
Classification: Likely benign. Last evaluated: 2024-09-27. Review status: criteria provided, single submitter. Criteria: ACMG Guidelines, 2015. Collection method: clinical testing. Allele origin: germline.

GeneDx
Classification: Benign. Last evaluated: 2021-04-30. Review status: criteria provided, single submitter. Criteria: GeneDx Variant Classification Process June 2021. Collection method: clinical testing. Allele origin: germline. Affected: yes.

Illumina Laboratory Services, Illumina
Classification: Uncertain significance for Dilated cardiomyopathy 3B. Last evaluated: 2018-01-13. Review status: criteria provided, single submitter. Criteria: ICSL Variant Classification Criteria 13 December 2019. Collection method: clinical testing. Allele origin: germline.

Ambry Genetics
Classification: Likely benign for Cardiovascular phenotype. Last evaluated: 2015-11-07. Review status: criteria provided, single submitter. Criteria: Ambry Variant Classification Scheme 2023. Collection method: clinical testing. Allele origin: germline.

Eurofins Ntd Llc (ga)
Classification: Uncertain significance. Last evaluated: 2013-11-26. Review status: criteria provided, single submitter. Criteria: EGL Classification Definitions 2015. Collection method: clinical testing. Allele origin: germline. Observed: 1 variant allele, 1 hemizygote.

Natera, Inc.
Classification: Likely benign for Becker muscular dystrophy; Cardiomyopathy; Duchenne muscular dystrophy; Dystrophin deficiency. Last evaluated: 2020-10-28. Review status: no assertion criteria provided. Collection method: clinical testing. Allele origin: germline. Not counted in ClinVar's aggregate classification.